The following is an entry in ClinVar:

ClinVar aggregate classification (germline): Benign/Likely benign. Review status: criteria provided, multiple submitters, no conflicts (2 of 4 stars). 16 submissions from 10 submitters: Benign (10); Likely benign (3). 3 of the submissions do not count toward it. Last evaluated 2026-01-26.

Conditions:
Basal laminar drusen. Also called: DRUSEN OF BRUCH MEMBRANE; DRUSEN, CUTICULAR; DRUSEN, EARLY ADULT-ONSET, GROUPED. Identifiers: Orphanet 75376, MedGen C0730295, MONDO:0007472, OMIM 126700.
Atypical hemolytic-uremic syndrome. Identifiers: Orphanet 2134, MedGen C2931788, MONDO:0016244.
Age related macular degeneration 4. Identifiers: MedGen C1853147, MONDO:0012540, OMIM 610698.
Factor H deficiency (CFHD). Also called: COMPLEMENT FACTOR H DEFICIENCY; CFH DEFICIENCY. Identifiers: Orphanet 200421, MedGen C0398777, MONDO:0012350, OMIM 609814.
CFH-Related Dense Deposit Disease / Membranoproliferative Glomerulonephritis Type II. Identifiers: MedGen CN071292.
Hemolytic uremic syndrome, atypical, susceptibility to, 1. Also called: AHUS, SUSCEPTIBILITY TO, 1. Identifiers: Orphanet 2134, Orphanet 90038, MedGen C2749604, MONDO:0009335, OMIM 235400. Disease mechanism: Other.
CFH-related disorder. Also called: CFH-related condition; CFH-related disorders.

Allele frequency attached by ClinVar (database versions not stated): gnomAD 0.00036 and 0.00058; TOPMed 0.00051; ExAC 0.00090; gnomAD exomes 0.00117; 1000 Genomes Project 30x 0.00593; 1000 Genomes Project 0.00639.

Submissions (16):

Labcorp Genetics (formerly Invitae), Labcorp
Classification: Benign. Last evaluated: 2026-01-26. Review status: criteria provided, single submitter. Criteria: Invitae Variant Classification Sherloc (09022015). Collection method: clinical testing. Allele origin: germline.

Genomenon, Inc
Classification: Benign for Basal laminar drusen; Age related macular degeneration 4; Atypical hemolytic-uremic syndrome; Factor H deficiency. Last evaluated: 2025-10-02. Review status: criteria provided, single submitter. Criteria: Genomenon Sequence Variant Interpretation Standards - Updated. Collection method: curation. Allele origin: germline. Affected: no.
Comment: CFH c.3133+8G>T is an intronic variant located in intron 19. This variant is present at high allele frequency in population databases. In conclusion, we classify CFH c.3133+8G>T as a benign variant.

Blueprint Genetics
Classification: Likely benign. Last evaluated: 2024-09-17. Review status: criteria provided, single submitter. Criteria: ACMG Guidelines, 2015. Collection method: clinical testing. Allele origin: germline.

Genome-Nilou Lab
Classification: Benign for Hemolytic uremic syndrome, atypical, susceptibility to, 1. Last evaluated: 2023-04-11. Review status: criteria provided, single submitter. Criteria: ACMG Guidelines, 2015. Collection method: clinical testing. Allele origin: germline. Affected: no.

Genome-Nilou Lab
Classification: Benign for Age related macular degeneration 4. Last evaluated: 2023-04-11. Review status: criteria provided, single submitter. Criteria: ACMG Guidelines, 2015. Collection method: clinical testing. Allele origin: germline. Affected: no.

Genome-Nilou Lab
Classification: Benign for Basal laminar drusen. Last evaluated: 2023-04-11. Review status: criteria provided, single submitter. Criteria: ACMG Guidelines, 2015. Collection method: clinical testing. Allele origin: germline. Affected: no.

Genome-Nilou Lab
Classification: Benign for Factor H deficiency. Last evaluated: 2023-04-11. Review status: criteria provided, single submitter. Criteria: ACMG Guidelines, 2015. Collection method: clinical testing. Allele origin: germline. Affected: no.

Genome Diagnostics Laboratory, The Hospital for Sick Children
Classification: Likely benign for Atypical hemolytic-uremic syndrome. Last evaluated: 2022-04-19. Review status: criteria provided, single submitter. Criteria: ACMG Guidelines, 2015. Collection method: clinical testing. Allele origin: germline.

Fulgent Genetics
Classification: Benign for Basal laminar drusen; Hemolytic uremic syndrome, atypical, susceptibility to, 1; Factor H deficiency; Age related macular degeneration 4. Last evaluated: 2021-11-06. Review status: criteria provided, single submitter. Criteria: ACMG Guidelines, 2015. Collection method: clinical testing. Allele origin: unknown.

Illumina Laboratory Services, Illumina
Classification: Likely benign for Basal laminar drusen. Last evaluated: 2018-01-12. Review status: criteria provided, single submitter. Criteria: ICSL Variant Classification Criteria 13 December 2019. Collection method: clinical testing. Allele origin: germline.
Comment: This variant was observed in the ICSL laboratory as part of a predisposition screen in an ostensibly healthy population. It had not been previously curated by ICSL or reported in the Human Gene Mutation Database (HGMD: prior to June 1st, 2018), and was therefore a candidate for classification through an automated scoring system. Utilizing variant allele frequency, disease prevalence and penetrance estimates, and inheritance mode, an automated score was calculated to assess if this variant is too frequent to cause the disease. Based on the score and internal cut-off values, a variant classified as likely benign is not then subjected to further curation. The score for this variant resulted in a classification of likely benign for this disease.

Illumina Laboratory Services, Illumina
Classification: Benign for Age related macular degeneration 4. Last evaluated: 2018-01-12. Review status: criteria provided, single submitter. Criteria: ICSL Variant Classification Criteria 13 December 2019. Collection method: clinical testing. Allele origin: germline.
Comment: This variant was observed in the ICSL laboratory as part of a predisposition screen in an ostensibly healthy population. It had not been previously curated by ICSL or reported in the Human Gene Mutation Database (HGMD: prior to June 1st, 2018), and was therefore a candidate for classification through an automated scoring system. Utilizing variant allele frequency, disease prevalence and penetrance estimates, and inheritance mode, an automated score was calculated to assess if this variant is too frequent to cause the disease. Based on the score and internal cut-off values, a variant classified as benign is not then subjected to further curation. The score for this variant resulted in a classification of benign for this disease.

Illumina Laboratory Services, Illumina
Classification: Benign for Membranoproliferative glomerulonephritis with complement factor h deficiency. Last evaluated: 2018-01-12. Review status: criteria provided, single submitter. Criteria: ICSL Variant Classification Criteria 13 December 2019. Collection method: clinical testing. Allele origin: germline.
Comment: the same text as in the submission from Illumina Laboratory Services, Illumina above.

Illumina Laboratory Services, Illumina
Classification: Benign for Hemolytic uremic syndrome, atypical, susceptibility to, 1. Last evaluated: 2018-01-12. Review status: criteria provided, single submitter. Criteria: ICSL Variant Classification Criteria 13 December 2019. Collection method: clinical testing. Allele origin: germline.
Comment: the same text as in the submission from Illumina Laboratory Services, Illumina above.

PreventionGenetics, part of Exact Sciences
Classification: Benign for CFH-related condition. Last evaluated: 2019-08-07. Review status: no assertion criteria provided. Collection method: clinical testing. Allele origin: germline. Not counted in ClinVar's aggregate classification.
Comment: This variant is classified as benign based on ACMG/AMP sequence variant interpretation guidelines (Richards et al. 2015 PMID: 25741868, with internal and published modifications).

Clinical Genetics, Academic Medical Center
Classification: Benign. Review status: no assertion criteria provided. Collection method: clinical testing. Allele origin: germline. Affected: yes. Study: VKGL Data-share Consensus. Not counted in ClinVar's aggregate classification.

Joint Genome Diagnostic Labs from Nijmegen and Maastricht, Radboudumc and MUMC+
Classification: Likely benign. Review status: no assertion criteria provided. Collection method: clinical testing. Allele origin: germline. Affected: yes. Study: VKGL Data-share Consensus. Not counted in ClinVar's aggregate classification.

NM_000186.4(CFH):c.3133+8G>T

Gene: CFH (complement factor H; plus strand). Cytogenetic location: 1q31.3.
Variant type: single nucleotide variant.
Coding change: c.3133+8G>T on transcript NM_000186.4 (MANE Select); 8 bases into the intron after coding-DNA position 3133, G replaced by T.
Molecular consequence: intron variant.
Genome position (GRCh38, 1-based): chr1:196,742,059, G>T. VCF-style: chr1-196742059-G-T. GRCh37 (hg19) VCF-style: chr1-196711189-G-T.
Identifiers: ClinVar variation 294517 (VCV000294517.27), dbSNP rs142718541, ClinGen allele CA1305829.
Genomic context (GRCh38, chr1:196,742,059, plus strand): 5'-CAGTAATGTAACATGCATTAATAGCAGATGGACAGGAAGGCCAACATGCAGAGGTACTTT[G>T]GTGAATTTTCAAAATTTATTTATATAATGTGTGGGCCCAGCCCAGTGGCTGGCGCCTGTA-3'